The following is an entry in ClinVar:

NM_001330078.2(NRXN1):c.1862A>C (p.Asn621Thr)

Gene: NRXN1 (neurexin 1; minus strand). Cytogenetic location: 2p16.3.
Variant type: single nucleotide variant.
Coding change: c.1862A>C on transcript NM_001330078.2 (MANE Select); coding-DNA position 1862, A replaced by C.
Protein change: p.Asn621Thr; replaces asparagine 621 with threonine.
Molecular consequence: missense variant.
Genome position (GRCh38, 1-based): chr2:50,538,534, T>G on the plus strand (A>C on the coding strand, the complement: NRXN1 is on the minus strand). VCF-style: chr2-50538534-T-G. GRCh37 (hg19) VCF-style: chr2-50765672-T-G.
Other names: c.1862A>C, p.Asn621Thr (NM_004801.6, NM_001330085.2, NM_001330086.2); c.1850A>C, p.Asn617Thr (NM_001330094.2); c.1838A>C, p.Asn613Thr (NM_001330095.2, NM_001330077.2, NM_001330082.2); c.1778A>C, p.Asn593Thr (NM_001330096.2, NM_001330087.2); c.1982A>C, p.Asn661Thr (NM_001135659.3); c.1823A>C, p.Asn608Thr (NM_001330083.2, NM_001330084.2); c.1808A>C, p.Asn603Thr (NM_001330088.2); c.1859A>C, p.Asn620Thr (NM_001330093.2); short protein forms N593T, N608T, N621T, N661T, N603T, N613T, N617T, N620T.
Identifiers: ClinVar variation 3662370 (VCV003662370.2).

ClinVar aggregate classification (germline): Uncertain significance (1 of 4 stars; one submission).

Conditions:
Pitt-Hopkins-like syndrome 2 (PTHSL2). Identifiers: Orphanet 221150, Orphanet 600663, MedGen C3280479, MONDO:0013690, OMIM 614325.

Submission:

Labcorp Genetics (formerly Invitae), Labcorp
Classification: Uncertain significance for Pitt-Hopkins-like syndrome 2. Last evaluated: 2024-12-04. Review status: criteria provided, single submitter. Criteria: Invitae Variant Classification Sherloc (09022015). Collection method: clinical testing. Allele origin: germline.
Comment: This sequence change replaces asparagine, which is neutral and polar, with threonine, which is neutral and polar, at codon 661 of the NRXN1 protein (p.Asn661Thr). This variant is not present in population databases (gnomAD no frequency). This variant has not been reported in the literature in individuals affected with NRXN1-related conditions. An algorithm developed to predict the effect of missense changes on protein structure and function (PolyPhen-2) suggests that this variant is likely to be tolerated. In summary, the available evidence is currently insufficient to determine the role of this variant in disease. Therefore, it has been classified as a Variant of Uncertain Significance.